The following is an entry in ClinVar:

NM_017617.5(NOTCH1):c.1962C>T (p.Thr654=)

Gene: NOTCH1 (notch receptor 1; minus strand). Cytogenetic location: 9q34.3.
Variant type: single nucleotide variant.
Coding change: c.1962C>T on transcript NM_017617.5 (MANE Select); coding-DNA position 1962, C replaced by T.
Protein change: p.Thr654=; no amino-acid change (threonine 654 retained).
Molecular consequence: synonymous variant.
Genome position (GRCh38, 1-based): chr9:136,515,342, G>A on the plus strand (C>T on the coding strand, the complement: NOTCH1 is on the minus strand). VCF-style: chr9-136515342-G-A. GRCh37 (hg19) VCF-style: chr9-139409794-G-A.
Other names: c.1962C>T, p.Thr654= (LRG_1122t1); c.1962C>T (NM_017617.4).
Identifiers: ClinVar variation 264178 (VCV000264178.47), dbSNP rs61751554, ClinGen allele CA5341553.

ClinVar aggregate classification (germline): Benign/Likely benign. Review status: criteria provided, multiple submitters, no conflicts (2 of 4 stars). 11 submissions from 10 submitters: Benign (4); Likely benign (7). Last evaluated 2026-02-03.

Conditions:
Adams-Oliver syndrome 5 (AOS5). Identifiers: Orphanet 974, MedGen C4014970, MONDO:0014459, OMIM 616028.
Familial thoracic aortic aneurysm and aortic dissection (TAAD). Also called: Thoracic aortic aneurysms and dissections. Identifiers: Orphanet 91387, MedGen C4707243, MONDO:0019625.
Aortic valve disease 1 (AOVD1). Identifiers: MedGen C3887892, MONDO:0024523, OMIM 109730.

Allele frequency attached by ClinVar (database versions not stated): TOPMed 0.00033; gnomAD exomes 0.00056 and 0.00085; gnomAD 0.00067 and 0.00073; ExAC 0.00075; ESP Exome Variant Server 0.00078.
gnomAD v4.1: 916 of 1,612,982 alleles (0.057%); highest among the groups gnomAD compares: Non-Finnish European, 0.047%; no homozygotes.

Submissions (11):

Labcorp Genetics (formerly Invitae), Labcorp
Classification: Benign for Adams-Oliver syndrome 5. Last evaluated: 2026-02-03. Review status: criteria provided, single submitter. Criteria: Invitae Variant Classification Sherloc (09022015). Collection method: clinical testing. Allele origin: germline.

CeGaT Center for Human Genetics Tuebingen
Classification: Likely benign. Last evaluated: 2025-11-01. Review status: criteria provided, single submitter. Criteria: CeGaT Center For Human Genetics Tuebingen Variant Classification Criteria Version 2. Collection method: clinical testing. Allele origin: germline. Affected: yes. Observed: 5 variant alleles.
Comment: NOTCH1: BP4, BP7

Laboratory of Genetics, Children's Clinical University Hospital Latvia
Classification: Likely benign. Last evaluated: 2025-02-16. Review status: criteria provided, single submitter. Criteria: ACMG Guidelines, 2015. Collection method: clinical testing. Allele origin: germline. Affected: yes.

Blueprint Genetics
Classification: Likely benign. Last evaluated: 2024-11-22. Review status: criteria provided, single submitter. Criteria: ACMG Guidelines, 2015. Collection method: clinical testing. Allele origin: germline.

ARUP Laboratories, Molecular Genetics and Genomics, ARUP Laboratories
Classification: Likely benign. Last evaluated: 2024-08-09. Review status: criteria provided, single submitter. Criteria: ARUP Molecular Germline Variant Investigation Process 2024. Collection method: clinical testing. Allele origin: germline.

Women's Health and Genetics/Laboratory Corporation of America, LabCorp
Classification: Benign. Last evaluated: 2023-07-30. Review status: criteria provided, single submitter. Criteria: LabCorp Variant Classification Summary - May 2015. Collection method: clinical testing. Allele origin: germline.

Genome-Nilou Lab
Classification: Benign for Adams-Oliver syndrome 5. Last evaluated: 2022-03-15. Review status: criteria provided, single submitter. Criteria: ACMG Guidelines, 2015. Collection method: clinical testing. Allele origin: germline. Affected: no.

Genome-Nilou Lab
Classification: Benign for Aortic valve disease 1. Last evaluated: 2022-03-15. Review status: criteria provided, single submitter. Criteria: ACMG Guidelines, 2015. Collection method: clinical testing. Allele origin: germline. Affected: no.

GeneDx
Classification: Likely benign. Last evaluated: 2021-02-02. Review status: criteria provided, single submitter. Criteria: GeneDx Variant Classification Process June 2021. Collection method: clinical testing. Allele origin: germline. Affected: yes.

Ambry Genetics
Classification: Likely benign for Familial thoracic aortic aneurysm and aortic dissection. Last evaluated: 2015-07-28. Review status: criteria provided, single submitter. Criteria: Ambry Variant Classification Scheme 2023. Collection method: clinical testing. Allele origin: germline.

Breakthrough Genomics
Classification: Likely benign. Review status: criteria provided, single submitter. Criteria: ACMG Guidelines, 2015. Collection method: not provided. Allele origin: germline. Inheritance: Autosomal dominant inheritance. Affected: yes.